The following is an entry in ClinVar:

ClinVar aggregate classification (germline): Uncertain significance. Review status: criteria provided, multiple submitters, no conflicts (2 of 4 stars). 2 submissions from 2 submitters: Uncertain significance (2). Last evaluated 2024-11-27.

Conditions:
Congenital myasthenic syndrome 8. Also called: Myasthenic syndrome, congenital, 8, with pre- and postsynaptic defects; MYASTHENIC SYNDROME, CONGENITAL, DUE TO AGRIN DEFICIENCY. Identifiers: Orphanet 590, MedGen C3808739, MONDO:0014052, OMIM 615120.

gnomAD v4.1: 11 of 1,578,926 alleles (0.0007%); highest among the groups gnomAD compares: South Asian, 0.0023%; no homozygotes.

Submissions (2):

Labcorp Genetics (formerly Invitae), Labcorp
Classification: Uncertain significance for Congenital myasthenic syndrome 8. Last evaluated: 2024-11-27. Review status: criteria provided, single submitter. Criteria: Invitae Variant Classification Sherloc (09022015). Collection method: clinical testing. Allele origin: germline.
Comment: This sequence change replaces lysine, which is basic and polar, with glutamic acid, which is acidic and polar, at codon 1418 of the AGRN protein (p.Lys1418Glu). The frequency data for this variant in the population databases is considered unreliable, as metrics indicate poor data quality at this position in the gnomAD database. This variant has not been reported in the literature in individuals affected with AGRN-related conditions. An algorithm developed to predict the effect of missense changes on protein structure and function (PolyPhen-2) suggests that this variant is likely to be disruptive. In summary, the available evidence is currently insufficient to determine the role of this variant in disease. Therefore, it has been classified as a Variant of Uncertain Significance.

Mayo Clinic Laboratories, Mayo Clinic
Classification: Uncertain significance. Last evaluated: 2024-02-29. Review status: criteria provided, single submitter. Criteria: ACMG Guidelines, 2015. Collection method: clinical testing. Allele origin: germline. Observed: 1 variant allele.

NM_198576.4(AGRN):c.4252A>G (p.Lys1418Glu)

Gene: AGRN (agrin; plus strand). Cytogenetic location: 1p36.33.
Variant type: single nucleotide variant.
Coding change: c.4252A>G on transcript NM_198576.4 (MANE Select); coding-DNA position 4252, A replaced by G.
Protein change: p.Lys1418Glu; replaces lysine 1418 with glutamic acid.
Molecular consequence: missense variant.
Genome position (GRCh38, 1-based): chr1:1,049,013, A>G. VCF-style: chr1-1049013-A-G. GRCh37 (hg19) VCF-style: chr1-984393-A-G.
Other names: p.Lys1418Glu; c.4252A>G, p.Lys1418Glu (NM_001305275.2); c.3937A>G, p.Lys1313Glu (NM_001364727.2); short protein forms K1313E, K1418E.
Identifiers: ClinVar variation 3380844 (VCV003380844.3).
Genomic context (GRCh38, chr1:1,049,013, plus strand): 5'-CTGGAATTCCGGGCGCTGGAGCCTCAGGGGCTGCTGCTGTACAATGGCAACGCCCGGGGC[A>G]AGGACTTCCTGGCATTGGCGCTGCTAGATGGCCGCGTGCAGCTCAGGTGGGCGGGGAGGG-3'
Protein context (NP_940978.2, residues 1408-1428): LLLYNGNARG[Lys1418Glu]DFLALALLDG